The following is an entry in ClinVar:

ClinVar aggregate classification (germline): Benign. Review status: criteria provided, multiple submitters, no conflicts (2 of 4 stars). 6 submissions from 6 submitters: Benign (6). Last evaluated 2026-01-28.

Conditions:
Cataract 18 (CATC2). Also called: CATARACT 18, AUTOSOMAL RECESSIVE. Identifiers: Orphanet 91492, Orphanet 98991, Orphanet 98992, Orphanet 98995, MedGen C1864908, MONDO:0012395, OMIM 610019.

Allele frequency attached by ClinVar (database versions not stated): ESP Exome Variant Server 0.83208; gnomAD 0.84476 and 0.84930; TOPMed 0.86084; 1000 Genomes Project 30x 0.92801; 1000 Genomes Project 0.92812.
gnomAD v4.1: 1,286,089 of 1,613,920 alleles (80%); highest among the groups gnomAD compares: East Asian, 100%; 516,568 homozygotes.

Submissions (6):

Labcorp Genetics (formerly Invitae), Labcorp
Classification: Benign for Cataract 18. Last evaluated: 2026-01-28. Review status: criteria provided, single submitter. Criteria: Invitae Variant Classification Sherloc (09022015). Collection method: clinical testing. Allele origin: germline.

Genome-Nilou Lab
Classification: Benign for Cataract 18. Last evaluated: 2021-08-10. Review status: criteria provided, single submitter. Criteria: ACMG Guidelines, 2015. Collection method: clinical testing. Allele origin: germline. Affected: no.

GeneDx
Classification: Benign. Last evaluated: 2018-03-24. Review status: criteria provided, single submitter. Criteria: GeneDx Variant Classification (06012015). Collection method: clinical testing. Allele origin: germline. Affected: yes.
Comment: This variant is considered likely benign or benign based on one or more of the following criteria: it is a conservative change, it occurs at a poorly conserved position in the protein, it is predicted to be benign by multiple in silico algorithms, and/or has population frequency not consistent with disease.

Illumina Laboratory Services, Illumina
Classification: Benign for Cataract 18. Last evaluated: 2018-01-12. Review status: criteria provided, single submitter. Criteria: ICSL Variant Classification Criteria 13 December 2019. Collection method: clinical testing. Allele origin: germline.
Comment: This variant was observed in the ICSL laboratory as part of a predisposition screen in an ostensibly healthy population. It had not been previously curated by ICSL or reported in the Human Gene Mutation Database (HGMD: prior to June 1st, 2018), and was therefore a candidate for classification through an automated scoring system. Utilizing variant allele frequency, disease prevalence and penetrance estimates, and inheritance mode, an automated score was calculated to assess if this variant is too frequent to cause the disease. Based on the score and internal cut-off values, a variant classified as benign is not then subjected to further curation. The score for this variant resulted in a classification of benign for this disease.

Breakthrough Genomics
Classification: Benign. Review status: criteria provided, single submitter. Criteria: ACMG Guidelines, 2015. Collection method: not provided. Allele origin: germline. Inheritance: Autosomal recessive inheritance. Affected: yes.

PreventionGenetics, part of Exact Sciences
Classification: Benign. Review status: criteria provided, single submitter. Criteria: ACMG Guidelines, 2015. Collection method: clinical testing. Allele origin: germline.

NM_024513.4(FYCO1):c.749G>A (p.Arg250Gln)

Gene: FYCO1 (FYVE and coiled-coil domain autophagy adaptor 1; minus strand). Cytogenetic location: 3p21.31.
Variant type: single nucleotide variant.
Coding change: c.749G>A on transcript NM_024513.4 (MANE Select); coding-DNA position 749, G replaced by A.
Protein change: p.Arg250Gln; replaces arginine 250 with glutamine.
Molecular consequence: missense variant.
Genome position (GRCh38, 1-based): chr3:45,968,585, C>T on the plus strand (G>A on the coding strand, the complement: FYCO1 is on the minus strand). VCF-style: chr3-45968585-C-T. GRCh37 (hg19) VCF-style: chr3-46010077-C-T.
Other names: short protein forms R250Q.
Identifiers: ClinVar variation 261736 (VCV000261736.17), dbSNP rs4683158, ClinGen allele CA2353381.